The following is an entry in ClinVar:

NM_001041.4(SI):c.3423+9C>G

Gene: SI (sucrase-isomaltase; minus strand). Cytogenetic location: 3q26.1.
Variant type: single nucleotide variant.
Coding change: c.3423+9C>G on transcript NM_001041.4 (MANE Select); 9 bases into the intron after coding-DNA position 3423, C replaced by G.
Molecular consequence: intron variant.
Genome position (GRCh38, 1-based): chr3:165,019,593, G>C on the plus strand (C>G on the coding strand, the complement: SI is on the minus strand). VCF-style: chr3-165019593-G-C. GRCh37 (hg19) VCF-style: chr3-164737381-G-C.
Identifiers: ClinVar variation 2176233 (VCV002176233.1), dbSNP rs1006502055, ClinGen allele CA86512700.

ClinVar aggregate classification (germline): Uncertain significance (1 of 4 stars; one submission).

Allele frequency attached by ClinVar (database versions not stated): gnomAD 0.00001; TOPMed 0.00002.
gnomAD v4.1: 20 of 1,611,304 alleles (0.0012%); highest among the groups gnomAD compares: Admixed American, 0.0017%; no homozygotes.

Submission:

Labcorp Genetics (formerly Invitae), Labcorp
Classification: Uncertain significance. Last evaluated: 2022-03-23. Review status: criteria provided, single submitter. Criteria: Invitae Variant Classification Sherloc (09022015). Collection method: clinical testing. Allele origin: germline.
Comment: This sequence change falls in intron 28 of the SI gene. It does not directly change the encoded amino acid sequence of the SI protein. This variant is present in population databases (no rsID available, gnomAD 0.003%). This variant has not been reported in the literature in individuals affected with SI-related conditions. Algorithms developed to predict the effect of sequence changes on RNA splicing suggest that this variant may disrupt the consensus splice site. In summary, the available evidence is currently insufficient to determine the role of this variant in disease. Therefore, it has been classified as a Variant of Uncertain Significance.